The following is an entry in ClinVar:

ClinVar aggregate classification (germline): Conflicting classifications of pathogenicity. Review status: criteria provided, conflicting classifications (1 of 4 stars). 7 submissions from 7 submitters: Uncertain significance (5); Likely benign (1). 1 of the submissions does not count toward it. Last evaluated 2024-11-07.

Conditions:
KIF1A-related disorder. Also called: KIF1A-related disorders; KIF1A-related condition.
Inborn genetic diseases. Identifiers: MedGen C0950123, MeSH D030342.
Intellectual disability, autosomal dominant 9 (NESCAVS). Also called: KIF1A-Related Neurodevelopmental Disorder; NESCAV SYNDROME. Identifiers: Orphanet 662367, MedGen C5393830, MONDO:0013656, OMIM 614255.
Hereditary spastic paraplegia 30. Identifiers: Orphanet 101010, MedGen C5235139, MONDO:0012476.

Allele frequency attached by ClinVar (database versions not stated): gnomAD 0.00002 and 0.00003; gnomAD exomes 0.00002 and 0.00003; TOPMed 0.00002.
gnomAD v4.1: 41 of 1,550,332 alleles (0.0026%); highest among the groups gnomAD compares: Middle Eastern, 0.1%; no homozygotes.

Submissions (7):

Blueprint Genetics
Classification: Uncertain significance. Last evaluated: 2024-11-07. Review status: criteria provided, single submitter. Criteria: ACMG Guidelines, 2015. Collection method: clinical testing. Allele origin: germline.

Athena Diagnostics
Classification: Uncertain significance. Last evaluated: 2021-10-25. Review status: criteria provided, single submitter. Criteria: Athena Diagnostics Criteria. Collection method: clinical testing. Allele origin: unknown.

GeneDx
Classification: Uncertain significance. Last evaluated: 2021-06-15. Review status: criteria provided, single submitter. Criteria: GeneDx Variant Classification Process June 2021. Collection method: clinical testing. Allele origin: germline. Affected: yes.
Comment: In silico analysis supports that this missense variant does not alter protein structure/function; This variant is associated with the following publications: (PMID: 31130284, 27535533, 26410750, 21376300)

Victorian Clinical Genetics Services, Murdoch Childrens Research Institute
Classification: Likely benign for Intellectual disability, autosomal dominant 9. Last evaluated: 2020-10-19. Review status: criteria provided, single submitter. Criteria: ACMG Guidelines, 2015. Collection method: clinical testing. Allele origin: germline. Affected: yes.
Comment: Based on the classification scheme VCGS_Germline_v1.3.3, this variant is classified as Likely Benign. Following criteria are met: 0103 - Dominant negative, loss of function and gain of function are known mechanisms of disease in this gene. Missense clustering within the kinesin domain with a dominant negative effect have been shown to cause NESCAV syndrome (PMID: 28970574). Both loss and gain of function mechanisms have been reported for variants causing spastic paraplesia (PMID 31488895, PMID: 31455732), however neuropathy has only been reported to be caused by loss of function mutations (PMID: 22258533). (I) 0108 - This gene is associated with both recessive and dominant disease. Both truncating and missense variants have been reported to each cause dominant and recessive disease. Missense variants found within the kinesin domain are likely to cause a dominant form of disease (PMID 31488895, PMID: 31455732, PMID: 28970574). (I) 0200 - Variant is predicted to result in a missense amino acid change from aspartic acid to asparagine. (I) 0219 - This variant is non-coding in an alternative transcript. The variant is intronic in all other transcripts (NCBI, UCSC). (I) 0251 - This variant is heterozygous. (I) 0308 - Population frequency for this variant is out of keeping with known incidence of KIF1A-related intellectual disability (gnomAD v2: 5 heterozygotes, 0 homozygotes). (SB) 0503 - Missense variant consistently predicted to be tolerated by multiple in silico tools or not conserved in placental mammals with a minor amino acid change. (SB) 0604 - Variant is not located in an established domain, motif, hotspot or informative constraint region. (I) 0705 - No comparable missense variants have previous evidence for pathogenicity. (I) 0809 - Previous evidence of pathogenicity for this variant is inconclusive. The variant has previously been classified as a VUS (ClinVar). (I) 0905 - No published segregation evidence has been identified for this variant. (I) 1007 - No published functional evidence has been identified for this variant. (I) 1208 - Inheritance information for this variant is not currently available in this individual. (I) Legend: (SP) - Supporting pathogenic, (I) - Information, (SB) - Supporting benign

Baylor Genetics
Classification: Uncertain significance for Spastic paraplegia 30A, autosomal dominant. Last evaluated: 2020-02-28. Review status: criteria provided, single submitter. Criteria: ACMG Guidelines, 2015. Collection method: clinical testing. Allele origin: unknown. Affected: yes.
Comment: This variant was determined to be of uncertain significance according to ACMG Guidelines, 2015 [PMID:25741868].

Ambry Genetics
Classification: Uncertain significance for Inborn genetic diseases. Last evaluated: 2019-09-20. Review status: criteria provided, single submitter. Criteria: Ambry Variant Classification Scheme 2023. Collection method: clinical testing. Allele origin: germline.
Comment: The p.D894N variant (also known as c.2680G>A), located in coding exon 26 of the KIF1A gene, results from a G to A substitution at nucleotide position 2680. The aspartic acid at codon 894 is replaced by asparagine, an amino acid with highly similar properties. This amino acid position is well conserved in available vertebrate species. In addition, this alteration is predicted to be tolerated by in silico analysis. Since supporting evidence is limited at this time, the clinical significance of this alteration remains unclear.

PreventionGenetics, part of Exact Sciences
Classification: Uncertain significance for KIF1A-related condition. Last evaluated: 2024-07-15. Review status: no assertion criteria provided. Collection method: clinical testing. Allele origin: germline. Not counted in ClinVar's aggregate classification.
Comment: The KIF1A c.2680G>A variant is predicted to result in the amino acid substitution p.Asp894Asn. This variant was reported in the heterozygous state in an individual that presented with failure to thrive, growth retardation, facial dysmorphism, congenital dislocation of the hip, microcephaly, muscle weakness, spasticity (Table S1, Monies et al. 2019. PubMed ID: 31130284). This variant is reported in 0.012% of alleles in individuals of Latino descent in gnomAD. At this time, the clinical significance of this variant is uncertain due to the absence of conclusive functional and genetic evidence.

Literature cited by the submitters: PubMed 22258533 (cited by Victorian Clinical Genetics Services, Murdoch Childrens Research Institute); PubMed 28970574 (cited by Victorian Clinical Genetics Services, Murdoch Childrens Research Institute); PubMed 31455732 (cited by Victorian Clinical Genetics Services, Murdoch Childrens Research Institute); PubMed 31488895 (cited by Victorian Clinical Genetics Services, Murdoch Childrens Research Institute).

NM_001244008.2(KIF1A):c.2680G>A (p.Asp894Asn)

Gene: KIF1A (kinesin family member 1A; minus strand). Cytogenetic location: 2q37.3.
Variant type: single nucleotide variant.
Coding change: c.2680G>A on transcript NM_001244008.2 (MANE Select); coding-DNA position 2680, G replaced by A.
Protein change: p.Asp894Asn; replaces aspartic acid 894 with asparagine.
Molecular consequence: missense variant. On other transcripts: intron variant (18).
Genome position (GRCh38, 1-based): chr2:240,757,497, C>T on the plus strand (G>A on the coding strand, the complement: KIF1A is on the minus strand). VCF-style: chr2-240757497-C-T. GRCh37 (hg19) VCF-style: chr2-241696914-C-T.
Other names: c.2755G>A, p.Asp919Asn (NM_001379631.1); c.2629G>A, p.Asp877Asn (NM_001379632.1); c.2653G>A, p.Asp885Asn (NM_001379633.1, NM_001379642.1, NM_001379645.1); c.2555+863G>A (NM_001379653.1, NM_001379650.1, NM_001379640.1 and 6 more transcripts); c.2657+863G>A (NM_001379635.1, NM_001330290.2, NM_001379646.1 and 1 more transcripts); c.2630+863G>A (NM_001379637.1, NM_001379648.1); c.2582+863G>A (NM_001320705.2, NM_001379638.1, NM_001330289.2); short protein forms D894N, D877N, D885N, D919N.
Identifiers: ClinVar variation 424026 (VCV000424026.11), dbSNP rs1064796756, ClinGen allele CA16617507.